The following is an entry in ClinVar:

NM_000257.4(MYH7):c.3424G>C (p.Glu1142Gln)

Gene: MYH7 (myosin heavy chain 7; minus strand). Cytogenetic location: 14q11.2.
Variant type: single nucleotide variant.
Coding change: c.3424G>C on transcript NM_000257.4 (MANE Select); coding-DNA position 3424, G replaced by C.
Protein change: p.Glu1142Gln; replaces glutamic acid 1142 with glutamine.
Molecular consequence: missense variant.
Genome position (GRCh38, 1-based): chr14:23,420,147, C>G on the plus strand (G>C on the coding strand, the complement: MYH7 is on the minus strand). VCF-style: chr14-23420147-C-G. GRCh37 (hg19) VCF-style: chr14-23889356-C-G.
Other names: c.3424G>C, p.Glu1142Gln (NM_001407004.1); short protein forms E1142Q.
Identifiers: ClinVar variation 3387313 (VCV003387313.4).

ClinVar aggregate classification (germline): Uncertain significance. Review status: criteria provided, multiple submitters, no conflicts (2 of 4 stars). 3 submissions from 3 submitters: Uncertain significance (3). Last evaluated 2025-07-03.

Conditions:
Cardiomyopathy (CMYO). Also called: Cardiomyopathies. Identifiers: Orphanet 167848, MedGen C0878544, MONDO:0004994, HP:0001638. Inheritance: Various modes of inheritance.
Hypertrophic cardiomyopathy. Also called: HYPERTROPHIC MYOCARDIOPATHY. Identifiers: Orphanet 217569, MedGen C0007194, MeSH D002312, MONDO:0005045, HP:0001639.

gnomAD v4.1: 1 of 1,605,414 alleles (0.000062%); highest among the groups gnomAD compares: Admixed American, 0.0017%; no homozygotes.

Submissions (3):

Color Diagnostics, LLC DBA Color Health
Classification: Uncertain significance for Cardiomyopathy. Last evaluated: 2025-07-03. Review status: criteria provided, single submitter. Criteria: ACMG Guidelines, 2015. Collection method: clinical testing. Allele origin: germline.
Comment: This missense variant replaces glutamic acid with glutamine at codon 1142 of the MYH7 protein. Computational prediction suggests that this variant may have a deleterious impact on protein structure and function. To our knowledge, functional studies have not been reported for this variant. This variant has been reported in a homozygous individual affected with severe hypertrophic cardiomyopathy (PMID: 36593836). One heterozygous parent and one heterozygous sibling in this family were both affected with hypertrophic cardiomyopathy, and one heterozygous parent was affected with slight ventricular hypertrophy. This variant has not been identified in the general population by the Genome Aggregation Database (gnomAD). The available evidence is insufficient to determine the role of this variant in disease conclusively. Therefore, this variant is classified as a Variant of Uncertain Significance.

Labcorp Genetics (formerly Invitae), Labcorp
Classification: Uncertain significance for Hypertrophic cardiomyopathy. Last evaluated: 2024-12-10. Review status: criteria provided, single submitter. Criteria: Invitae Variant Classification Sherloc (09022015). Collection method: clinical testing. Allele origin: germline.
Comment: This sequence change replaces glutamic acid, which is acidic and polar, with glutamine, which is neutral and polar, at codon 1142 of the MYH7 protein (p.Glu1142Gln). This variant is not present in population databases (gnomAD no frequency). This variant has not been reported in the literature in individuals affected with MYH7-related conditions. Invitae Evidence Modeling of protein sequence and biophysical properties (such as structural, functional, and spatial information, amino acid conservation, physicochemical variation, residue mobility, and thermodynamic stability) indicates that this missense variant is expected to disrupt MYH7 protein function with a positive predictive value of 95%. In summary, the available evidence is currently insufficient to determine the role of this variant in disease. Therefore, it has been classified as a Variant of Uncertain Significance.

All of Us Research Program, National Institutes of Health
Classification: Uncertain significance for Cardiomyopathy. Last evaluated: 2024-09-23. Review status: criteria provided, single submitter. Criteria: ACMG Guidelines, 2015. Collection method: clinical testing. Allele origin: germline. Inheritance: Autosomal dominant inheritance. Observed: 1 variant allele, 1 heterozygote.
Comment: This study involves interpretation of variants in research participants for the purpose of population health screening. Participant phenotype was not available at the time of variant classification. Additional details can be found in publication PMID: 35346344, PMCID: PMC8962531

Literature cited by the submitters: PubMed 36593836 (cited by Color Diagnostics, LLC DBA Color Health).